The following is an entry in ClinVar:

ClinVar aggregate classification (germline): Uncertain significance. Review status: criteria provided, multiple submitters, no conflicts (2 of 4 stars). 2 submissions from 2 submitters: Uncertain significance (2). Last evaluated 2026-01-19.

Conditions:
Severe combined immunodeficiency due to DNA-PKcs deficiency. Also called: IMMUNODEFICIENCY 26 WITH NEUROLOGIC ABNORMALITIES; Immunodeficiency 26 with or without neurologic abnormalities. Identifiers: Orphanet 317425, MedGen C4014833, MONDO:0014423, OMIM 615966.

Allele frequency attached by ClinVar (database versions not stated): gnomAD exomes 0.00003; ExAC 0.00004; gnomAD 0.00025 and 0.00029; TOPMed 0.00026; ESP Exome Variant Server 0.00033; 1000 Genomes Project 0.00060; 1000 Genomes Project 30x 0.00062.
gnomAD v4.1: 81 of 1,521,864 alleles (0.0053%); highest among the groups gnomAD compares: African/African-American, 0.096%; no homozygotes.

Submissions (2):

Labcorp Genetics (formerly Invitae), Labcorp
Classification: Uncertain significance for Severe combined immunodeficiency due to DNA-PKcs deficiency. Last evaluated: 2026-01-19. Review status: criteria provided, single submitter. Criteria: Invitae Variant Classification Sherloc (09022015). Collection method: clinical testing. Allele origin: germline.
Comment: This sequence change replaces aspartic acid, which is acidic and polar, with histidine, which is basic and polar, at codon 877 of the PRKDC protein (p.Asp877His). This variant is present in population databases (rs200560953, gnomAD 0.06%). This variant has not been reported in the literature in individuals affected with PRKDC-related conditions. ClinVar contains an entry for this variant (Variation ID: 475224). Invitae Evidence Modeling of protein sequence and biophysical properties (such as structural, functional, and spatial information, amino acid conservation, physicochemical variation, residue mobility, and thermodynamic stability) indicates that this missense variant is not expected to disrupt PRKDC protein function with a negative predictive value of 80%. In summary, the available evidence is currently insufficient to determine the role of this variant in disease. Therefore, it has been classified as a Variant of Uncertain Significance.

Ambry Genetics
Classification: Uncertain significance. Last evaluated: 2023-05-09. Review status: criteria provided, single submitter. Criteria: Ambry Variant Classification Scheme 2023. Collection method: clinical testing. Allele origin: germline.

NM_006904.7(PRKDC):c.2629G>C (p.Asp877His)

Gene: PRKDC (protein kinase, DNA-activated, catalytic subunit; minus strand). Cytogenetic location: 8q11.21.
Variant type: single nucleotide variant.
Coding change: c.2629G>C on transcript NM_006904.7 (MANE Select); coding-DNA position 2629, G replaced by C.
Protein change: p.Asp877His; replaces aspartic acid 877 with histidine.
Molecular consequence: missense variant.
Genome position (GRCh38, 1-based): chr8:47,914,053, C>G on the plus strand (G>C on the coding strand, the complement: PRKDC is on the minus strand). VCF-style: chr8-47914053-C-G. GRCh37 (hg19) VCF-style: chr8-48826613-C-G.
Other names: c.2629G>C, p.Asp877His (NM_001081640.2); short protein forms D877H.
Identifiers: ClinVar variation 475224 (VCV000475224.10), dbSNP rs200560953, ClinGen allele CA4741408.